The following is an entry in ClinVar:

ClinVar aggregate classification (germline): Pathogenic (1 of 4 stars; one submission).

Conditions:
Hereditary cancer-predisposing syndrome. Also called: Neoplastic Syndromes, Hereditary; Hereditary Cancer Syndrome; Hereditary neoplastic syndrome; Tumor predisposition. Identifiers: Orphanet 140162, MedGen C0027672, MeSH D009386, MONDO:0015356.

Submission:

Ambry Genetics
Classification: Pathogenic for Hereditary cancer-predisposing syndrome. Last evaluated: 2023-05-01. Review status: criteria provided, single submitter. Criteria: Ambry Variant Classification Scheme 2023. Collection method: clinical testing. Allele origin: germline.
Comment: The p.E512* pathogenic mutation (also known as c.1534G>T), located in coding exon 9 of the DICER1 gene, results from a G to T substitution at nucleotide position 1534. This changes the amino acid from a glutamic acid to a stop codon within coding exon 9. This alteration has been observed in at least one individual with a personal and/or family history that is consistent with DICER1-related disease (Ambry internal data). This alteration is expected to result in loss of function by premature protein truncation or nonsense-mediated mRNA decay. As such, this alteration is interpreted as a disease-causing mutation.

NM_177438.3(DICER1):c.1534G>T (p.Glu512Ter)

Gene: DICER1 (dicer 1, ribonuclease III; minus strand). Cytogenetic location: 14q32.13.
Variant type: single nucleotide variant.
Coding change: c.1534G>T on transcript NM_177438.3 (MANE Select); coding-DNA position 1534, G replaced by T.
Protein change: p.Glu512Ter; replaces glutamic acid 512 with a stop codon.
Molecular consequence: nonsense. On other transcripts: non-coding transcript variant (6), intron variant (1).
Genome position (GRCh38, 1-based): chr14:95,116,671, C>A on the plus strand (G>T on the coding strand, the complement: DICER1 is on the minus strand). VCF-style: chr14-95116671-C-A. GRCh37 (hg19) VCF-style: chr14-95583008-C-A.
Other names: c.1534G>T, p.Glu512Ter (NM_001395679.1, NM_001395678.1, NM_001291628.2 and 13 more transcripts); c.1252G>T, p.Glu418Ter (NM_001395686.1); c.1129G>T, p.Glu377Ter (NM_001395687.1, NM_001395688.1, NM_001395689.1 and 3 more transcripts); c.967G>T, p.Glu323Ter (NM_001395691.1); c.-59-91G>T (NM_001395697.1); short protein forms E377*, E418*, E323*, E512*.
Identifiers: ClinVar variation 2566175 (VCV002566175.2), dbSNP rs2140126563, ClinGen allele CA390885163.